The following is an entry in ClinVar:

ClinVar aggregate classification (germline): Pathogenic. Review status: criteria provided, multiple submitters, no conflicts (2 of 4 stars). 4 submissions from 4 submitters: Pathogenic (3). 1 of the submissions does not count toward it. Last evaluated 2022-08-09.

Conditions:
Meckel-Gruber syndrome. Also called: DYSENCEPHALIA SPLANCHNOCYSTICA; GRUBER SYNDROME; Dysencephalia splachnocystica. Identifiers: Orphanet 564, MedGen C0265215, MONDO:0018921.
Nephronophthisis. Also called: Juvenile Nephronophthisis. Identifiers: Orphanet 655, MedGen C0687120, MONDO:0019005, HP:0000090.
Joubert syndrome. Also called: CEREBELLOPARENCHYMAL DISORDER IV; JOUBERT-BOLTSHAUSER SYNDROME; Familial aplasia of the vermis. Identifiers: Orphanet 475, MedGen C5979921, MONDO:0018772.
Senior-Loken syndrome 6 (SLSN6). Identifiers: Orphanet 3156, MedGen C1857779, MONDO:0012433, OMIM 610189.
Leber congenital amaurosis 10 (LCA10). Identifiers: Orphanet 65, MedGen C1857821, MONDO:0012723, OMIM 611755.
Bardet-Biedl syndrome 14 (BBS14). Identifiers: Orphanet 110, MedGen C2673874, MONDO:0014442, OMIM 615991.
Meckel syndrome, type 4 (MKS4). Also called: MECKEL-GRUBER SYNDROME, TYPE 4. Identifiers: Orphanet 564, MedGen C1970161, MONDO:0012626, OMIM 611134.
Joubert syndrome 5 (JBTS5). Identifiers: Orphanet 2318, MedGen C1857780, MONDO:0012432, OMIM 610188.
Leber congenital amaurosis (LCA). Also called: Leber's amaurosis. Identifiers: Orphanet 65, MedGen C0339527, MeSH D057130, MONDO:0018998.

Submissions (4):

Labcorp Genetics (formerly Invitae), Labcorp
Classification: Pathogenic for Joubert syndrome; Meckel-Gruber syndrome; Nephronophthisis. Last evaluated: 2022-08-09. Review status: criteria provided, single submitter. Criteria: Invitae Variant Classification Sherloc (09022015). Collection method: clinical testing. Allele origin: germline.
Comment: This sequence change creates a premature translational stop signal (p.Leu1861Tyrfs*6) in the CEP290 gene. It is expected to result in an absent or disrupted protein product. Loss-of-function variants in CEP290 are known to be pathogenic (PMID: 16909394, 17345604, 20690115). This variant is not present in population databases (gnomAD no frequency). This variant has not been reported in the literature in individuals affected with CEP290-related conditions. ClinVar contains an entry for this variant (Variation ID: 817139). For these reasons, this variant has been classified as Pathogenic.

GeneDx
Classification: Pathogenic. Last evaluated: 2022-04-07. Review status: criteria provided, single submitter. Criteria: GeneDx Variant Classification Process June 2021. Collection method: clinical testing. Allele origin: germline. Affected: yes.
Comment: Has not been previously published as pathogenic or benign to our knowledge; Frameshift variant predicted to result in protein truncation or nonsense mediated decay in a gene for which loss of function is a known mechanism of disease; Not observed at significant frequency in large population cohorts (gnomAD)

Fulgent Genetics
Classification: Pathogenic for Joubert syndrome 5; Senior-Loken syndrome 6; Meckel syndrome, type 4; Leber congenital amaurosis 10; Bardet-Biedl syndrome 14. Last evaluated: 2021-06-30. Review status: criteria provided, single submitter. Criteria: ACMG Guidelines, 2015. Collection method: clinical testing. Allele origin: unknown.
Comment: This variant has been detected in individual(s) who were sent for testing of Renasight - kidney gene panel.

Natera, Inc.
Classification: Likely pathogenic for Leber congenital amaurosis. Last evaluated: 2021-06-01. Review status: no assertion criteria provided. Collection method: clinical testing. Allele origin: germline. Not counted in ClinVar's aggregate classification.

Literature cited by the submitters: PubMed 16909394 (cited by Labcorp Genetics (formerly Invitae), Labcorp); PubMed 17345604 (cited by Labcorp Genetics (formerly Invitae), Labcorp); PubMed 20690115 (cited by Labcorp Genetics (formerly Invitae), Labcorp).

NM_025114.4(CEP290):c.5580del (p.Leu1861fs)

Gene: CEP290 (centrosomal protein 290; minus strand). Cytogenetic location: 12q21.32.
Variant type: Deletion.
Coding change: c.5580del on transcript NM_025114.4 (MANE Select); coding-DNA position 5580, one base deleted (A; older notation c.5580delA).
Protein change: p.Leu1861fs; shifts the reading frame from leucine 1861.
Molecular consequence: frameshift variant.
Genome position (GRCh38, 1-based): chr12:88,077,703, T deleted on the plus strand (A on the coding strand, the reverse complement: CEP290 is on the minus strand). VCF-style (leftmost placement, unchanged base first): chr12-88077702-AT-A. GRCh37 (hg19) VCF-style: chr12-88471479-AT-A.
Other names: c.5580del (NM_025114.3); short protein forms L1861fs.
Identifiers: ClinVar variation 817139 (VCV000817139.12), dbSNP rs1592807018, ClinGen allele CA915946672.